The following is an entry in ClinVar:

ClinVar aggregate classification (germline): Pathogenic (1 of 4 stars; one submission).

Conditions:
Metachromatic leukodystrophy (MLD). Also called: Cerebral sclerosis diffuse metachromatic form; Arylsulfatase A Deficiency; ARSA DEFICIENCY; CEREBROSIDE SULFATASE DEFICIENCY; METACHROMATIC LEUKOENCEPHALOPATHY; SULFATIDE LIPIDOSIS. Identifiers: Orphanet 512, MedGen C0023522, MONDO:0018868, OMIM 250100.

Allele frequency attached by ClinVar (database versions not stated): gnomAD exomes below 0.00001.

Submission:

Labcorp Genetics (formerly Invitae), Labcorp
Classification: Pathogenic for Metachromatic leukodystrophy. Last evaluated: 2023-05-15. Review status: criteria provided, single submitter. Criteria: Invitae Variant Classification Sherloc (09022015). Collection method: clinical testing. Allele origin: germline.
Comment: For these reasons, this variant has been classified as Pathogenic. This variant disrupts a region of the ARSA protein in which other variant(s) (p.Cys302Tyr) have been determined to be pathogenic (PMID: 32632536; Invitae). This suggests that this is a clinically significant region of the protein, and that variants that disrupt it are likely to be disease-causing. This variant results in the deletion of part of exon 5 (c.855-24_907del) of the ARSA gene. It is expected to disrupt RNA splicing. Variants that disrupt the donor or acceptor splice site typically lead to a loss of protein function (PMID: 16199547), and loss-of-function variants in ARSA are known to be pathogenic (PMID: 8962139, 10477432). This variant is not present in population databases (gnomAD no frequency). This variant has not been reported in the literature in individuals affected with ARSA-related conditions. Algorithms developed to predict the effect of sequence changes on RNA splicing suggest that this variant may disrupt the consensus splice site.

Literature cited by the submitters: PubMed 32632536; PubMed 16199547; PubMed 8962139; PubMed 10477432.

NM_000487.6(ARSA):c.855-24_907del

Gene: ARSA (arylsulfatase A; minus strand). Cytogenetic location: 22q13.33.
Variant type: Deletion.
Coding change: c.855-24_907del on transcript NM_000487.6 (MANE Select); 24 bases into the intron before coding-DNA position 855 through coding-DNA position 907, 77 bases deleted.
Molecular consequence: splice acceptor variant.
Genome position (GRCh38, 1-based): chr22:50,626,226-50,626,302, 77 bases deleted. GRCh37 (hg19): chr22:51,064,654-51,064,730.
Other names: c.597-24_649del (NM_001362782.2, NM_001085428.3); c.855-24_907del (NM_001085427.3, NM_001085426.3, NM_001085425.3).
Identifiers: ClinVar variation 2843908 (VCV002843908.3), dbSNP rs2518327153, ClinGen allele CA2657592490.